The following is an entry in ClinVar:

NM_000038.6(APC):c.934-122T>G

Gene: APC (APC regulator of WNT signaling pathway; plus strand). Cytogenetic location: 5q22.2.
Variant type: single nucleotide variant.
Coding change: c.934-122T>G on transcript NM_000038.6 (MANE Select); 122 bases into the intron before coding-DNA position 934, T replaced by G.
Molecular consequence: intron variant.
Genome position (GRCh38, 1-based): chr5:112,818,844, T>G. VCF-style: chr5-112818844-T-G. GRCh37 (hg19) VCF-style: chr5-112154541-T-G.
Other names: c.934-122T>G (NM_001354895.2, NM_001127510.3, NM_001354896.2); c.964-122T>G (NM_001354897.2); c.964-425T>G (NM_001354902.2); c.880-122T>G (NM_001127511.3); c.859-122T>G (NM_001354898.2); c.859-425T>G (NM_001354904.2); c.85-122T>G (NM_001354906.2); c.934-425T>G (NM_001354903.2); and 3 more.
Identifiers: ClinVar variation 82566 (VCV000082566.2), dbSNP rs77766408, ClinGen allele CA015850.

ClinVar aggregate classification (germline): other (0 of 4 stars; one submission).

Conditions:
Familial colorectal cancer. Identifiers: MedGen CN280943, MONDO:0023113. Disease mechanism: loss of function.

Allele frequency attached by ClinVar (database versions not stated): gnomAD 0.00017 and 0.00016; gnomAD exomes 0.00033.
gnomAD v4.1: 261 of 842,402 alleles (0.031%); highest among the groups gnomAD compares: South Asian, 0.069%; 6 homozygotes.

Submission:

Systems Biology Platform Zhejiang California International NanoSystems Institute
Classification: other for Familial colorectal cancer. Review status: no assertion criteria provided. Collection method: not provided. Allele origin: unknown.
ClinVar note: Converted during submission from cancer to other.